The following is an entry in ClinVar:

ClinVar aggregate classification (germline): Likely benign (1 of 4 stars; one submission).

Allele frequency attached by ClinVar (database versions not stated): ESP Exome Variant Server 0.00008; gnomAD exomes 0.00014; ExAC 0.00019; gnomAD 0.00020; 1000 Genomes Project 0.00040.
gnomAD v4.1: 217 of 1,426,390 alleles (0.015%); highest among the groups gnomAD compares: Middle Eastern, 0.037%; 1 homozygote.

Submission:

CeGaT Center for Human Genetics Tuebingen
Classification: Likely benign. Last evaluated: 2023-01-01. Review status: criteria provided, single submitter. Criteria: CeGaT Center For Human Genetics Tuebingen Variant Classification Criteria Version 2. Collection method: clinical testing. Allele origin: germline. Affected: yes. Observed: 1 variant allele.
Comment: CRIPAK: BS2

NM_175918.3(CRIPAK):c.115C>T (p.Arg39Ter)

Genes: CRIPAK (cysteine rich PAK1 inhibitor; plus strand), UVSSA (UV stimulated scaffold protein A; plus strand), LOC126806945 (P300/CBP strongly-dependent group 1 enhancer GRCh37_chr4:1388225-1389424; plus strand). Cytogenetic location: 4p16.3.
Variant type: single nucleotide variant.
Coding change: c.115C>T on transcript NM_175918.3; coding-DNA position 115, C replaced by T.
Protein change: p.Arg39Ter; replaces arginine 39 with a stop codon.
Molecular consequence: nonsense.
Genome position (GRCh38, 1-based): chr4:1,394,626, C>T. VCF-style: chr4-1394626-C-T. GRCh37 (hg19) VCF-style: chr4-1388414-C-T.
Other names: short protein forms R39*.
Identifiers: ClinVar variation 2654562 (VCV002654562.24), dbSNP rs373049641, ClinGen allele CA2806618.